The following is an entry in ClinVar:

NM_001371986.1(UNC80):c.6491T>C (p.Val2164Ala)

Gene: UNC80 (unc-80 subunit of NALCN channel complex; plus strand). Cytogenetic location: 2q34.
Variant type: single nucleotide variant.
Coding change: c.6491T>C on transcript NM_001371986.1 (MANE Select); coding-DNA position 6491, T replaced by C.
Protein change: p.Val2164Ala; replaces valine 2164 with alanine.
Molecular consequence: missense variant.
Genome position (GRCh38, 1-based): chr2:209,939,497, T>C. VCF-style: chr2-209939497-T-C. GRCh37 (hg19) VCF-style: chr2-210804221-T-C.
Other names: c.6293T>C, p.Val2098Ala (NM_032504.2); c.6278T>C, p.Val2093Ala (NM_182587.4); short protein forms V2093A, V2098A, V2164A.
Identifiers: ClinVar variation 1507770 (VCV001507770.6), dbSNP rs1204306509, ClinGen allele CA350771890.

ClinVar aggregate classification (germline): Uncertain significance (1 of 4 stars; one submission).

Allele frequency attached by ClinVar (database versions not stated): gnomAD exomes below 0.00001 and 0.00001; TOPMed 0.00001.
gnomAD v4.1: 2 of 1,550,982 alleles (0.00013%); highest among the groups gnomAD compares: Admixed American, 0.0039%; no homozygotes.

Submission:

Labcorp Genetics (formerly Invitae), Labcorp
Classification: Uncertain significance. Last evaluated: 2020-12-12. Review status: criteria provided, single submitter. Criteria: Invitae Variant Classification Sherloc (09022015). Collection method: clinical testing. Allele origin: germline.
Comment: This sequence change replaces valine with alanine at codon 2098 of the UNC80 protein (p.Val2098Ala). The valine residue is weakly conserved and there is a small physicochemical difference between valine and alanine. This variant is not present in population databases (ExAC no frequency). This variant has not been reported in the literature in individuals with UNC80-related conditions. Algorithms developed to predict the effect of missense changes on protein structure and function are either unavailable or do not agree on the potential impact of this missense change (SIFT: "Not Available"; PolyPhen-2: "Possibly Damaging"; Align-GVGD: "Not Available"). In summary, the available evidence is currently insufficient to determine the role of this variant in disease. Therefore, it has been classified as a Variant of Uncertain Significance.